The following is an entry in ClinVar:

ClinVar aggregate classification (germline): Uncertain significance (1 of 4 stars; one submission).

Conditions:
EGFR-related lung cancer (EGFR). Identifiers: MedGen CN130014.

Allele frequency attached by ClinVar (database versions not stated): gnomAD exomes below 0.00001 and 0.00001; ExAC 0.00001.
gnomAD v4.1: 4 of 1,614,212 alleles (0.00025%); highest among the groups gnomAD compares: East Asian, 0.0022%; no homozygotes.

Submission:

Labcorp Genetics (formerly Invitae), Labcorp
Classification: Uncertain significance for EGFR-related lung cancer. Last evaluated: 2024-04-29. Review status: criteria provided, single submitter. Criteria: Invitae Variant Classification Sherloc (09022015). Collection method: clinical testing. Allele origin: germline.
Comment: This sequence change replaces valine, which is neutral and non-polar, with isoleucine, which is neutral and non-polar, at codon 398 of the EGFR protein (p.Val398Ile). This variant is present in population databases (rs757265130, gnomAD 0.01%). This variant has not been reported in the literature in individuals affected with EGFR-related conditions. ClinVar contains an entry for this variant (Variation ID: 1058483). Advanced modeling of protein sequence and biophysical properties (such as structural, functional, and spatial information, amino acid conservation, physicochemical variation, residue mobility, and thermodynamic stability) performed at Invitae indicates that this missense variant is not expected to disrupt EGFR protein function with a negative predictive value of 80%. In summary, the available evidence is currently insufficient to determine the role of this variant in disease. Therefore, it has been classified as a Variant of Uncertain Significance.

NM_005228.5(EGFR):c.1192G>A (p.Val398Ile)

Genes: EGFR (epidermal growth factor receptor; plus strand), LOC126860048 (P300/CBP strongly-dependent group 1 enhancer GRCh37_chr7:55223847-55225046; plus strand). Cytogenetic location: 7p11.2.
Variant type: single nucleotide variant.
Coding change: c.1192G>A on transcript NM_005228.5 (MANE Select); coding-DNA position 1192, G replaced by A.
Protein change: p.Val398Ile; replaces valine 398 with isoleucine.
Molecular consequence: missense variant.
Genome position (GRCh38, 1-based): chr7:55,156,817, G>A. VCF-style: chr7-55156817-G-A. GRCh37 (hg19) VCF-style: chr7-55224510-G-A.
Other names: c.1057G>A, p.Val353Ile (NM_001346897.2, NM_001346899.2); c.1192G>A, p.Val398Ile (NM_001346898.2, NM_201282.2, NM_201283.2 and 1 more transcripts); c.1033G>A, p.Val345Ile (NM_001346900.2); c.391G>A, p.Val131Ile (NM_001346941.2); short protein forms V131I, V345I, V353I, V398I.
Identifiers: ClinVar variation 1058483 (VCV001058483.9), dbSNP rs757265130, ClinGen allele CA4265501.